The following is an entry in ClinVar:

ClinVar aggregate classification (germline): Uncertain significance (1 of 4 stars; one submission).

Conditions:
Hereditary hemochromatosis (HFE). Identifiers: MedGen C0392514, MONDO:0006507. Disease mechanism: loss of function.

Submission:

Labcorp Genetics (formerly Invitae), Labcorp
Classification: Uncertain significance for Hereditary hemochromatosis. Last evaluated: 2025-05-23. Review status: criteria provided, single submitter. Criteria: Invitae Variant Classification Sherloc (09022015). Collection method: clinical testing. Allele origin: germline.
Comment: This sequence change replaces proline, which is neutral and non-polar, with leucine, which is neutral and non-polar, at codon 39 of the HAMP protein (p.Pro39Leu). This variant is not present in population databases (gnomAD no frequency). This variant has not been reported in the literature in individuals affected with HAMP-related conditions. An algorithm developed to predict the effect of missense changes on protein structure and function outputs the following: PolyPhen-2: "Benign". The leucine amino acid residue is found in multiple mammalian species, which suggests that this missense change does not adversely affect protein function. In summary, the available evidence is currently insufficient to determine the role of this variant in disease. Therefore, it has been classified as a Variant of Uncertain Significance.

NM_021175.4(HAMP):c.116C>T (p.Pro39Leu)

Gene: HAMP (hepcidin antimicrobial peptide; plus strand). Cytogenetic location: 19q13.12.
Variant type: single nucleotide variant.
Coding change: c.116C>T on transcript NM_021175.4 (MANE Select); coding-DNA position 116, C replaced by T.
Protein change: p.Pro39Leu; replaces proline 39 with leucine.
Molecular consequence: missense variant.
Genome position (GRCh38, 1-based): chr19:35,284,814, C>T. VCF-style: chr19-35284814-C-T. GRCh37 (hg19) VCF-style: chr19-35775717-C-T.
Other names: short protein forms P39L.
Identifiers: ClinVar variation 4807249 (VCV004807249.1).